The following is an entry in ClinVar:

NM_001940.4(ATN1):c.1138A>G (p.Ser380Gly)

Gene: ATN1 (atrophin 1; plus strand). Cytogenetic location: 12p13.31.
Variant type: single nucleotide variant.
Coding change: c.1138A>G on transcript NM_001940.4 (MANE Select); coding-DNA position 1138, A replaced by G.
Protein change: p.Ser380Gly; replaces serine 380 with glycine.
Molecular consequence: missense variant.
Genome position (GRCh38, 1-based): chr12:6,936,405, A>G. VCF-style: chr12-6936405-A-G. GRCh37 (hg19) VCF-style: chr12-7045568-A-G.
Other names: c.1138A>G, p.Ser380Gly (NM_001007026.2, NM_001424176.1, NM_001424177.1 and 1 more transcripts); c.1135A>G, p.Ser379Gly (NM_001424179.1, NM_001424180.1, NM_001424182.1); short protein forms S380G, S379G.
Identifiers: ClinVar variation 3803410 (VCV003803410.7).
Genomic context (GRCh38, chr12:6,936,405, plus strand): 5'-CCTCCTGCTTCCTCTTCTGCTCCAGCGCCCCCCATGAGGTTTCCTTATTCATCCTCTAGT[A>G]GTAGCTCTGCAGCAGCCTCCTCTTCCAGTTCTTCCTCCTCTTCCTCTGCCTCCCCCTTCC-3'
Protein context (NP_001931.2, residues 370-390): PMRFPYSSSS[Ser380Gly]SSAAASSSSS

ClinVar aggregate classification (germline): Conflicting classifications of pathogenicity. Review status: criteria provided, conflicting classifications (1 of 4 stars). 3 submissions from 3 submitters: Uncertain significance (2); Likely benign (1). Last evaluated 2026-02-01.

Conditions:
Inborn genetic diseases. Identifiers: MedGen C0950123, MeSH D030342.

gnomAD v4.1: 42 of 1,613,286 alleles (0.0026%); highest among the groups gnomAD compares: Middle Eastern, 0.033%; no homozygotes.

Submissions (3):

CeGaT Center for Human Genetics Tuebingen
Classification: Likely benign. Last evaluated: 2026-02-01. Review status: criteria provided, single submitter. Criteria: CeGaT Center For Human Genetics Tuebingen Variant Classification Criteria Version 2. Collection method: clinical testing. Allele origin: germline. Affected: yes. Observed: 1 variant allele.
Comment: ATN1: BP4

Ambry Genetics
Classification: Uncertain significance for Inborn genetic diseases. Last evaluated: 2025-02-08. Review status: criteria provided, single submitter. Criteria: Ambry Variant Classification Scheme 2023. Collection method: clinical testing. Allele origin: germline.

Dasa
Classification: Uncertain significance. Last evaluated: 2025-01-29. Review status: criteria provided, single submitter. Criteria: DASA Assertion Criteria. Collection method: clinical testing. Allele origin: germline.
Comment: NM_001940.4(ATN1):c.1138A>G (p.Ser380Gly) is a missense variant that results in the substitution of serine with glycine. This variant is rare in population databases. Computational prediction algorithms are consistent with a benign effect. The currently available literature and clinical evidence are not sufficient to establish a definitive association between this variant and the reported condition. Therefore, this variant is classified as a variant of uncertain significance.